The following is an entry in ClinVar:

ClinVar aggregate classification (germline): Uncertain significance (1 of 4 stars; one submission).

Allele frequency attached by ClinVar (database versions not stated): gnomAD exomes 0.00002 and 0.00006; ExAC 0.00009; gnomAD 0.00018 and 0.00021; TOPMed 0.00020; ESP Exome Variant Server 0.00023.
gnomAD v4.1: 55 of 1,613,616 alleles (0.0034%); highest among the groups gnomAD compares: African/African-American, 0.068%; no homozygotes.

Submission:

Labcorp Genetics (formerly Invitae), Labcorp
Classification: Uncertain significance. Last evaluated: 2022-08-10. Review status: criteria provided, single submitter. Criteria: Invitae Variant Classification Sherloc (09022015). Collection method: clinical testing. Allele origin: germline.
Comment: This sequence change replaces serine, which is neutral and polar, with proline, which is neutral and non-polar, at codon 2623 of the HSPG2 protein (p.Ser2623Pro). In summary, the available evidence is currently insufficient to determine the role of this variant in disease. Therefore, it has been classified as a Variant of Uncertain Significance. Algorithms developed to predict the effect of missense changes on protein structure and function output the following: SIFT: "Tolerated"; PolyPhen-2: "Benign"; Align-GVGD: "Class C0". The proline amino acid residue is found in multiple mammalian species, which suggests that this missense change does not adversely affect protein function. ClinVar contains an entry for this variant (Variation ID: 1439770). This variant has not been reported in the literature in individuals affected with HSPG2-related conditions. This variant is present in population databases (rs141647961, gnomAD 0.09%).

NM_005529.7(HSPG2):c.7867T>C (p.Ser2623Pro)

Gene: HSPG2 (heparan sulfate proteoglycan 2; minus strand). Cytogenetic location: 1p36.12.
Variant type: single nucleotide variant.
Coding change: c.7867T>C on transcript NM_005529.7 (MANE Select); coding-DNA position 7867, T replaced by C.
Protein change: p.Ser2623Pro; replaces serine 2623 with proline.
Molecular consequence: missense variant.
Genome position (GRCh38, 1-based): chr1:21,847,964, A>G on the plus strand (T>C on the coding strand, the complement: HSPG2 is on the minus strand). VCF-style: chr1-21847964-A-G. GRCh37 (hg19) VCF-style: chr1-22174457-A-G.
Other names: c.7870T>C, p.Ser2624Pro (NM_001291860.2); short protein forms S2623P, S2624P.
Identifiers: ClinVar variation 1439770 (VCV001439770.4), dbSNP rs141647961, ClinGen allele CA671038.